The following is an entry in ClinVar:

ClinVar aggregate classification (germline): Likely pathogenic (1 of 4 stars; one submission).

Conditions:
Maple syrup urine disease (MSUD). Identifiers: Orphanet 511, MedGen C0024776, MeSH D008375, MONDO:0009563. Disease mechanism: loss of function.

Allele frequency attached by ClinVar (database versions not stated): gnomAD 0.00001; gnomAD exomes 0.00001 and 0.00002; TOPMed 0.00001.
gnomAD v4.1: 30 of 1,614,116 alleles (0.0019%); highest among the groups gnomAD compares: Non-Finnish European, 0.0022%; no homozygotes.

Submission:

Labcorp Genetics (formerly Invitae), Labcorp
Classification: Likely pathogenic for Maple syrup urine disease. Last evaluated: 2026-01-03. Review status: criteria provided, single submitter. Criteria: Invitae Variant Classification Sherloc (09022015). Collection method: clinical testing. Allele origin: germline.
Comment: This sequence change replaces alanine, which is neutral and non-polar, with glycine, which is neutral and non-polar, at codon 253 of the BCKDHA protein (p.Ala253Gly). This variant is not present in population databases (gnomAD no frequency). This variant has not been reported in the literature in individuals affected with BCKDHA-related conditions. ClinVar contains an entry for this variant (Variation ID: 1520107). Invitae Evidence Modeling of protein sequence and biophysical properties (such as structural, functional, and spatial information, amino acid conservation, physicochemical variation, residue mobility, and thermodynamic stability) indicates that this missense variant is expected to disrupt BCKDHA protein function with a positive predictive value of 80%. This variant disrupts the p.Ala253 amino acid residue in BCKDHA. Other variant(s) that disrupt this residue have been determined to be pathogenic (PMID: 8161368, 16786533, 17922217). This suggests that this residue is clinically significant, and that variants that disrupt this residue are likely to be disease-causing. In summary, the currently available evidence indicates that the variant is pathogenic, but additional data are needed to prove that conclusively. Therefore, this variant has been classified as Likely Pathogenic.

Literature cited by the submitters: PubMed 8161368; PubMed 16786533; PubMed 17922217.

NM_000709.4(BCKDHA):c.758C>G (p.Ala253Gly)

Gene: BCKDHA (branched chain keto acid dehydrogenase E1 subunit alpha; plus strand). Cytogenetic location: 19q13.2.
Variant type: single nucleotide variant.
Coding change: c.758C>G on transcript NM_000709.4 (MANE Select); coding-DNA position 758, C replaced by G.
Protein change: p.Ala253Gly; replaces alanine 253 with glycine.
Molecular consequence: missense variant.
Genome position (GRCh38, 1-based): chr19:41,422,275, C>G. VCF-style: chr19-41422275-C-G. GRCh37 (hg19) VCF-style: chr19-41928180-C-G.
Other names: c.758C>G, p.Ala253Gly (NM_001164783.2); short protein forms A253G.
Identifiers: ClinVar variation 1520107 (VCV001520107.6), dbSNP rs1213596075, ClinGen allele CA406012889.
Genomic context (GRCh38, chr19:41,422,275, plus strand): 5'-TCTGTTACTTCGGCGAGGGGGCAGCCAGTGAGGGGGACGCCCATGCCGGCTTCAACTTCG[C>G]TGCCACACTTGAGTGCCCCATCATCTTCTTCTGCCGGAACAATGGCTACGCCATCTCCAC-3'
Protein context (NP_000700.1, residues 243-263): EGDAHAGFNF[Ala253Gly]ATLECPIIFF